The following is an entry in ClinVar:

NM_025237.3(SOST):c.294G>A (p.Lys98=)

Gene: SOST (sclerostin; minus strand). Cytogenetic location: 17q21.31.
Variant type: single nucleotide variant.
Coding change: c.294G>A on transcript NM_025237.3 (MANE Select); coding-DNA position 294, G replaced by A.
Protein change: p.Lys98=; no amino-acid change (lysine 98 retained).
Molecular consequence: synonymous variant.
Genome position (GRCh38, 1-based): chr17:43,755,690, C>T on the plus strand (G>A on the coding strand, the complement: SOST is on the minus strand). VCF-style: chr17-43755690-C-T. GRCh37 (hg19) VCF-style: chr17-41833058-C-T.
Identifiers: ClinVar variation 3352551 (VCV003352551.1).

ClinVar aggregate classification (germline): Likely benign (0 of 4 stars; one submission).

Conditions:
SOST-related disorder. Also called: SOST-related condition.

gnomAD v4.1: 35 of 1,564,214 alleles (0.0022%); highest among the groups gnomAD compares: Non-Finnish European, 0.0028%; no homozygotes.

Submission:

PreventionGenetics, part of Exact Sciences
Classification: Likely benign for SOST-related condition. Last evaluated: 2019-06-24. Review status: no assertion criteria provided. Collection method: clinical testing. Allele origin: germline.
Comment: This variant is classified as likely benign based on ACMG/AMP sequence variant interpretation guidelines (Richards et al. 2015 PMID: 25741868, with internal and published modifications).